The following is an entry in ClinVar:

NM_007294.4(BRCA1):c.5468-191_*2del

Gene: BRCA1 (BRCA1 DNA repair associated; minus strand). Cytogenetic location: 17q21.31.
Variant type: Deletion.
Coding change: c.5468-191_*2del on transcript NM_007294.4 (MANE Select); 191 bases into the intron before coding-DNA position 5468 through 2 bases downstream of the stop codon, 318 bases deleted.
Molecular consequence: splice acceptor variant.
Genome position (GRCh38, 1-based): chr17:43,045,676-43,045,993, 318 bases deleted. GRCh37 (hg19): chr17:41,197,693-41,198,010.
Other names: c.2015-191_*2del (NM_001408458.1, NM_001408461.1, NM_001408464.1 and 7 more transcripts); c.4577-191_*2del (NM_001407967.1); c.5087-191_*2del (NM_001407959.1); c.5201-191_*2del (NM_001407931.1, NM_001407932.1, NM_001407928.1 and 4 more transcripts); c.5324-191_*2del (NM_001407747.1, NM_001407745.1, NM_001407737.1 and 18 more transcripts); c.5084-191_*2del (NM_001407962.1, NM_001407960.1); c.1655-191_*2del (NM_001408512.1); c.1778-191_*2del (NM_001408510.1); and 83 more.
Identifiers: ClinVar variation 1050520 (VCV001050520.2), dbSNP rs2152476215, ClinGen allele CA2499224338.

ClinVar aggregate classification (germline): Pathogenic (0 of 4 stars; one submission).

Conditions:
Breast-ovarian cancer, familial, susceptibility to, 1 (BROVCA1). Also called: BRCA1 Hereditary Breast and Ovarian Cancer; OVARIAN CANCER, SUSCEPTIBILITY TO. Identifiers: Orphanet 145, MedGen C2676676, MONDO:0011450, OMIM 604370. Disease mechanism: loss of function.

Submission:

Department of Pathology and Laboratory Medicine, Sinai Health System
Classification: Pathogenic for Breast-ovarian cancer, familial, susceptibility to, 1. Review status: no assertion criteria provided. Collection method: clinical testing. Allele origin: unknown. Affected: yes. Study: The Canadian Open Genetics Repository (COGR).
Comment: The BRCA1 c.5278-?_5592+?del variant (chr:17 g.41197695_41203134del GRCh37) results in a deletion of exons 21 to 24, although the precise breakpoints of this deletion were not determined, nor were the effects of this variant on the resulting mRNA or protein product determined. The BRCA1 p.Ile1760_His1862delins37 variant was identified in 13 of 37364 proband chromosomes (frequency: 0.0003) from individuals or families with breast cancer or triple negative breast cancer (Hoyer 2018, Rebbeck 2018). The Consortium of Investigators of Modifiers of BRCA1/2 (CIMBA) found the variant to be one of the ten most frequently observed BRCA1 mutations in the Australian population (Rebbeck 2018). The variant was also identified in LOVD 3.0, and UMD-LSDB (15X classified 5-Causal). The variant was not identified in dbSNP and ClinVar. The variant was not identified in the following control databases: the Exome Aggregation Consortium (August 8th 2016), or the Genome Aggregation Database (Feb 27, 2017). This variant is results in the removal of codons 1760 to 1863 in the BRCT (BRCA1 C-terminal) functional domain involved in DNA damage repair. This alteration is predicted to result in a truncated or absent protein and loss of function. Loss of function variants of the BRCA1 gene are an established mechanism of disease in BRCA1 associated cancer and is the type of variant expected to cause the disorder. In summary, based on the above information this variant meets our laboratoryâ€šÃ„Ã´s criteria to be classified as pathogenic.rnrnREFERENCES: 30257646 29446198